The following is an entry in ClinVar:

NM_014444.5(TUBGCP4):c.998G>A (p.Arg333His)

Gene: TUBGCP4 (tubulin gamma complex component 4; plus strand). Cytogenetic location: 15q15.3.
Variant type: single nucleotide variant.
Coding change: c.998G>A on transcript NM_014444.5 (MANE Select); coding-DNA position 998, G replaced by A.
Protein change: p.Arg333His; replaces arginine 333 with histidine.
Molecular consequence: missense variant.
Genome position (GRCh38, 1-based): chr15:43,386,314, G>A. VCF-style: chr15-43386314-G-A. GRCh37 (hg19) VCF-style: chr15-43678512-G-A.
Other names: c.998G>A, p.Arg333His (NM_001286414.3); short protein forms R333H.
Identifiers: ClinVar variation 377341 (VCV000377341.15), dbSNP rs183013671, ClinGen allele CA7523930.

ClinVar aggregate classification (germline): Conflicting classifications of pathogenicity. Review status: criteria provided, conflicting classifications (1 of 4 stars). 5 submissions from 5 submitters: Uncertain significance (4); Likely benign (1). Last evaluated 2024-09-10.

Conditions:
Microcephaly and chorioretinopathy 3. Also called: Microcephaly and chorioretinopathy, autosomal recessive, 3. Identifiers: MedGen C4225362, MONDO:0014592, OMIM 616335.

Allele frequency attached by ClinVar (database versions not stated): gnomAD 0.00005 and 0.00008; ESP Exome Variant Server 0.00017; ExAC 0.00018; gnomAD exomes 0.00023; 1000 Genomes Project 0.00060; 1000 Genomes Project 30x 0.00062.
gnomAD v4.1: 182 of 1,497,094 alleles (0.012%); highest among the groups gnomAD compares: East Asian, 0.15%; no homozygotes.

Submissions (5):

Blueprint Genetics
Classification: Likely benign. Last evaluated: 2024-09-10. Review status: criteria provided, single submitter. Criteria: ACMG Guidelines, 2015. Collection method: clinical testing. Allele origin: germline.

Labcorp Genetics (formerly Invitae), Labcorp
Classification: Uncertain significance. Last evaluated: 2022-09-27. Review status: criteria provided, single submitter. Criteria: Invitae Variant Classification Sherloc (09022015). Collection method: clinical testing. Allele origin: germline.
Comment: This sequence change replaces arginine, which is basic and polar, with histidine, which is basic and polar, at codon 333 of the TUBGCP4 protein (p.Arg333His). The frequency data for this variant in the population databases is considered unreliable, as metrics indicate poor data quality at this position in the gnomAD database. This variant has not been reported in the literature in individuals affected with TUBGCP4-related conditions. ClinVar contains an entry for this variant (Variation ID: 377341). Advanced modeling of protein sequence and biophysical properties (such as structural, functional, and spatial information, amino acid conservation, physicochemical variation, residue mobility, and thermodynamic stability) performed at Invitae indicates that this missense variant is not expected to disrupt TUBGCP4 protein function. In summary, the available evidence is currently insufficient to determine the role of this variant in disease. Therefore, it has been classified as a Variant of Uncertain Significance.

Fulgent Genetics
Classification: Uncertain significance for Microcephaly and chorioretinopathy 3. Last evaluated: 2022-01-04. Review status: criteria provided, single submitter. Criteria: ACMG Guidelines, 2015. Collection method: clinical testing. Allele origin: unknown.

Genetic Services Laboratory, University of Chicago
Classification: Uncertain significance. Last evaluated: 2017-07-07. Review status: criteria provided, single submitter. Criteria: ACMG Guidelines, 2015. Collection method: clinical testing. Allele origin: germline. Affected: no.

Center for Pediatric Genomic Medicine, Children's Mercy Hospital and Clinics
Classification: Uncertain significance. Last evaluated: 2016-11-10. Review status: criteria provided, single submitter. Criteria: ACMG Guidelines, 2015. Collection method: clinical testing. Allele origin: germline.
ClinVar note: Converted during submission from Uncertain Significance to Uncertain significance.